The following is an entry in ClinVar:

NM_014160.5(MKRN2):c.1221C>T (p.His407=)

Genes: MKRN2 (makorin ring finger protein 2; plus strand), RAF1 (Raf-1 proto-oncogene, serine/threonine kinase; minus strand). Cytogenetic location: 3p25.2.
Variant type: single nucleotide variant.
Coding change: c.1221C>T on transcript NM_014160.5 (MANE Select); coding-DNA position 1221, C replaced by T.
Protein change: p.His407=; no amino-acid change (histidine 407 retained).
Molecular consequence: synonymous variant.
Genome position (GRCh38, 1-based): chr3:12,582,223, C>T. VCF-style: chr3-12582223-C-T. GRCh37 (hg19) VCF-style: chr3-12623722-C-T.
Other names: c.1092C>T, p.His364= (NM_001271707.2).
Identifiers: ClinVar variation 1879571 (VCV001879571.29), dbSNP rs34924942, ClinGen allele CA2259338.
Genomic context (GRCh38, chr3:12,582,223, plus strand): 5'-CCGGCATGTCCCCAACAATGAAGATGTCGACATGACAGAGCTCGGGGACCTCTTCATGCA[C>T]CTTTCTGGAGTGGAATCATCAGAACCCTAAAGAGTAGATGGTTGCCCTGCATCTTGGGCT-3'
Protein context (NP_054879.3, residues 397-416): DMTELGDLFM[His407=]LSGVESSEP

ClinVar aggregate classification (germline): Likely benign (1 of 4 stars; one submission).

Allele frequency attached by ClinVar (database versions not stated): 1000 Genomes Project 0.00080; 1000 Genomes Project 30x 0.00094; ExAC 0.00213; gnomAD 0.00230; TOPMed 0.00255; ESP Exome Variant Server 0.00269; gnomAD exomes 0.00350.
gnomAD v4.1: 5,448 of 1,614,102 alleles (0.34%); highest among the groups gnomAD compares: Non-Finnish European, 0.42%; 14 homozygotes.

Submission:

CeGaT Center for Human Genetics Tuebingen
Classification: Likely benign. Last evaluated: 2026-06-01. Review status: criteria provided, single submitter. Criteria: CeGaT Center For Human Genetics Tuebingen Variant Classification Criteria Version 2. Collection method: clinical testing. Allele origin: germline. Affected: yes. Observed: 12 variant alleles.
Comment: MKRN2: BP4, BP7, BS2; RAF1: BS2